The following is an entry in ClinVar:

ClinVar aggregate classification (germline): Likely benign. Review status: criteria provided, single submitter (1 of 4 stars). 2 submissions from 2 submitters: Likely benign (1). 1 of the submissions does not count toward it. Last evaluated 2025-10-01.

Conditions:
PCNT-related disorder. Also called: PCNT-related condition.

Allele frequency attached by ClinVar (database versions not stated): gnomAD exomes below 0.00001; TOPMed 0.00001.
gnomAD v4.1: 7 of 1,612,684 alleles (0.00043%); highest among the groups gnomAD compares: East Asian, 0.0022%; no homozygotes.

Submissions (2):

Labcorp Genetics (formerly Invitae), Labcorp
Classification: Likely benign. Last evaluated: 2025-10-01. Review status: criteria provided, single submitter. Criteria: Invitae Variant Classification Sherloc (09022015). Collection method: clinical testing. Allele origin: germline.

PreventionGenetics, part of Exact Sciences
Classification: Likely benign for PCNT-related condition. Last evaluated: 2023-04-24. Review status: no assertion criteria provided. Collection method: clinical testing. Allele origin: germline. Not counted in ClinVar's aggregate classification.
Comment: This variant is classified as likely benign based on ACMG/AMP sequence variant interpretation guidelines (Richards et al. 2015 PMID: 25741868, with internal and published modifications).

NM_006031.6(PCNT):c.8931G>A (p.Ala2977=)

Gene: PCNT (pericentrin; plus strand). Cytogenetic location: 21q22.3.
Variant type: single nucleotide variant.
Coding change: c.8931G>A on transcript NM_006031.6 (MANE Select); coding-DNA position 8931, G replaced by A.
Protein change: p.Ala2977=; no amino-acid change (alanine 2977 retained).
Molecular consequence: synonymous variant.
Genome position (GRCh38, 1-based): chr21:46,436,083, G>A. VCF-style: chr21-46436083-G-A. GRCh37 (hg19) VCF-style: chr21-47855996-G-A.
Other names: c.8931G>A (NM_006031.5); c.8340G>A, p.Ala2780= (NM_001315529.2).
Identifiers: ClinVar variation 2869650 (VCV002869650.5), dbSNP rs1403813919, ClinGen allele CA513175821.